The following is an entry in ClinVar:

ClinVar aggregate classification (germline): Benign (1 of 4 stars; one submission).

Submission:

GeneDx
Classification: Benign. Last evaluated: 2018-06-19. Review status: criteria provided, single submitter. Criteria: GeneDx Variant Classification (06012015). Collection method: clinical testing. Allele origin: germline. Affected: yes.
Comment: This variant is considered likely benign or benign based on one or more of the following criteria: it is a conservative change, it occurs at a poorly conserved position in the protein, it is predicted to be benign by multiple in silico algorithms, and/or has population frequency not consistent with disease.

NM_014391.3(ANKRD1):c.27+165del

Gene: ANKRD1 (ankyrin repeat domain 1; minus strand). Cytogenetic location: 10q23.31.
Variant type: Deletion.
Coding change: c.27+165del on transcript NM_014391.3 (MANE Select); 165 bases into the intron after coding-DNA position 27, one base deleted (A; older notation c.27+165delA).
Molecular consequence: intron variant.
Genome position (GRCh38, 1-based): chr10:90,920,836, T deleted on the plus strand (A on the coding strand, the reverse complement: ANKRD1 is on the minus strand); the first of 10 consecutive T bases (chr10:90,920,836-90,920,845); deleting any one gives the same sequence. VCF-style (leftmost placement, unchanged base first): chr10-90920835-AT-A. GRCh37 (hg19) VCF-style: chr10-92680592-AT-A.
Identifiers: ClinVar variation 675315 (VCV000675315.1), dbSNP rs144975490, ClinGen allele CA211426273.